The following is an entry in ClinVar:

NM_000500.9(CYP21A2):c.550-15C>A

Genes: CYP21A2 (cytochrome P450 family 21 subfamily A member 2; plus strand), LOC106780800 (CYP21A2 recombination region; plus strand). Cytogenetic location: 6p21.33.
Variant type: single nucleotide variant.
Coding change: c.550-15C>A on transcript NM_000500.9 (MANE Select); 15 bases into the intron before coding-DNA position 550, C replaced by A.
Molecular consequence: intron variant.
Genome position (GRCh38, 1-based): chr6:32,039,531, C>A. VCF-style: chr6-32039531-C-A. GRCh37 (hg19) VCF-style: chr6-32007308-C-A.
Other names: c.145-15C>A (NM_001368143.2, NM_001368144.2); c.460-15C>A (NM_001128590.4).
Identifiers: ClinVar variation 256294 (VCV000256294.6), dbSNP rs1040312, ClinGen allele CA3732435.

ClinVar aggregate classification (germline): Benign. Review status: criteria provided, multiple submitters, no conflicts (2 of 4 stars). 4 submissions from 4 submitters: Benign (4). Last evaluated 2025-09-24.

Allele frequency attached by ClinVar (database versions not stated): ExAC 0.00627; ESP Exome Variant Server 0.00771; gnomAD exomes 0.01289; 1000 Genomes Project 0.02895; gnomAD 0.04292 and 0.04345; 1000 Genomes Project 30x 0.06215.

Submissions (4):

Athena Diagnostics
Classification: Benign. Last evaluated: 2025-09-24. Review status: criteria provided, single submitter. Criteria: Athena Diagnostics Criteria. Collection method: clinical testing. Allele origin: unknown.
Comment: The frequency of this variant in the general population is higher than would generally be expected for pathogenic variants in this gene. Computational tools yielded predictions that this variant is unlikely to have an effect on normal RNA splicing. This nucleotide position exhibits low evolutionary conservation.

Women's Health and Genetics/Laboratory Corporation of America, LabCorp
Classification: Benign. Last evaluated: 2025-01-08. Review status: criteria provided, single submitter. Criteria: LabCorp Variant Classification Summary - May 2015. Collection method: clinical testing. Allele origin: germline.
Comment: Variant summary: CYP21A2 c.550-15C>A alters a non-conserved nucleotide located at a position not widely known to affect splicing. The variant allele was found at a frequency of 0.013 in 205752 control chromosomes in the gnomAD database, including 191 homozygotes. The observed variant frequency is approximately 6-fold of the estimated maximal expected allele frequency for a pathogenic variant in CYP21A2 causing Congenital Adrenal Hyperplasia phenotype (0.002). To our knowledge, no occurrence of c.550-15C>A in individuals affected with Congenital Adrenal Hyperplasia and no experimental evidence demonstrating its impact on protein function have been reported. ClinVar contains an entry for this variant (Variation ID: 256294). Based on the evidence outlined above, the variant was classified as benign.

Blueprint Genetics
Classification: Benign. Last evaluated: 2024-11-26. Review status: criteria provided, single submitter. Criteria: ACMG Guidelines, 2015. Collection method: clinical testing. Allele origin: germline.

PreventionGenetics, part of Exact Sciences
Classification: Benign. Review status: criteria provided, single submitter. Criteria: ACMG Guidelines, 2015. Collection method: clinical testing. Allele origin: germline.

Literature cited by the submitters: PubMed 16487445 (cited by Athena Diagnostics); PubMed 19169499 (cited by Athena Diagnostics); PubMed 27896104 (cited by Athena Diagnostics); PubMed 25249698 (cited by Athena Diagnostics); PubMed 29266270 (cited by Athena Diagnostics); PubMed 25227725 (cited by Athena Diagnostics); PubMed 19654554 (cited by Athena Diagnostics).